The following is an entry in ClinVar:

ClinVar aggregate classification (germline): Pathogenic (1 of 4 stars; one submission).

Conditions:
X-linked Emery-Dreifuss muscular dystrophy. Also called: Muscular dystrophy, tardive Emery-Dreifuss type, with contractures. Identifiers: Orphanet 261, Orphanet 98863, MedGen C0751337, MONDO:0010680.

Submission:

Labcorp Genetics (formerly Invitae), Labcorp
Classification: Pathogenic for X-linked Emery-Dreifuss muscular dystrophy. Last evaluated: 2022-04-12. Review status: criteria provided, single submitter. Criteria: Invitae Variant Classification Sherloc (09022015). Collection method: clinical testing. Allele origin: germline.
Comment: This variant disrupts a region of the EMD protein in which other variant(s) (p.Gln219Trpfs*20) have been determined to be pathogenic (PMID: 8595406, 17355552, 18646565, 31474437). This suggests that this is a clinically significant region of the protein, and that variants that disrupt it are likely to be disease-causing. This variant has not been reported in the literature in individuals affected with EMD-related conditions. This variant is not present in population databases (gnomAD no frequency). This sequence change creates a premature translational stop signal (p.Ser194*) in the EMD gene. While this is not anticipated to result in nonsense mediated decay, it is expected to disrupt the last 61 amino acid(s) of the EMD protein. For these reasons, this variant has been classified as Pathogenic.

Literature cited by the submitters: PubMed 8595406; PubMed 17355552; PubMed 18646565; PubMed 31474437.

NM_000117.3(EMD):c.581C>G (p.Ser194Ter)

Gene: EMD (emerin; plus strand). Cytogenetic location: Xq28.
Variant type: single nucleotide variant.
Coding change: c.581C>G on transcript NM_000117.3 (MANE Select); coding-DNA position 581, C replaced by G.
Protein change: p.Ser194Ter; replaces serine 194 with a stop codon.
Molecular consequence: nonsense.
Genome position (GRCh38, 1-based): chrX:154,381,013, C>G. VCF-style: chrX-154381013-C-G. GRCh37 (hg19) VCF-style: chrX-153609373-C-G.
Other names: short protein forms S194*.
Identifiers: ClinVar variation 2069151 (VCV002069151.4), dbSNP rs782697057, ClinGen allele CA415258912.